The following is an entry in ClinVar:

ClinVar aggregate classification (germline): Uncertain significance (1 of 4 stars; one submission).

Conditions:
Severe combined immunodeficiency due to DNA-PKcs deficiency. Also called: IMMUNODEFICIENCY 26 WITH NEUROLOGIC ABNORMALITIES; Immunodeficiency 26 with or without neurologic abnormalities. Identifiers: Orphanet 317425, MedGen C4014833, MONDO:0014423, OMIM 615966.

Allele frequency attached by ClinVar (database versions not stated): gnomAD 0.00001; ExAC 0.00002; TOPMed 0.00003; gnomAD exomes 0.00005 and 0.00009.
gnomAD v4.1: 133 of 1,610,966 alleles (0.0083%); highest among the groups gnomAD compares: Non-Finnish European, 0.011%; no homozygotes.

Submission:

Labcorp Genetics (formerly Invitae), Labcorp
Classification: Uncertain significance for Severe combined immunodeficiency due to DNA-PKcs deficiency. Last evaluated: 2022-11-01. Review status: criteria provided, single submitter. Criteria: Invitae Variant Classification Sherloc (09022015). Collection method: clinical testing. Allele origin: germline.
Comment: This sequence change replaces phenylalanine, which is neutral and non-polar, with leucine, which is neutral and non-polar, at codon 649 of the PRKDC protein (p.Phe649Leu). This variant is present in population databases (rs55811715, gnomAD 0.009%). This variant has not been reported in the literature in individuals affected with PRKDC-related conditions. ClinVar contains an entry for this variant (Variation ID: 1045909). Advanced modeling of protein sequence and biophysical properties (such as structural, functional, and spatial information, amino acid conservation, physicochemical variation, residue mobility, and thermodynamic stability) performed at Invitae indicates that this missense variant is not expected to disrupt PRKDC protein function. In summary, the available evidence is currently insufficient to determine the role of this variant in disease. Therefore, it has been classified as a Variant of Uncertain Significance.

NM_006904.7(PRKDC):c.1945T>C (p.Phe649Leu)

Gene: PRKDC (protein kinase, DNA-activated, catalytic subunit; minus strand). Cytogenetic location: 8q11.21.
Variant type: single nucleotide variant.
Coding change: c.1945T>C on transcript NM_006904.7 (MANE Select); coding-DNA position 1945, T replaced by C.
Protein change: p.Phe649Leu; replaces phenylalanine 649 with leucine.
Molecular consequence: missense variant.
Genome position (GRCh38, 1-based): chr8:47,929,960, A>G on the plus strand (T>C on the coding strand, the complement: PRKDC is on the minus strand). VCF-style: chr8-47929960-A-G. GRCh37 (hg19) VCF-style: chr8-48842520-A-G.
Other names: c.1945T>C, p.Phe649Leu (NM_001081640.2); short protein forms F649L.
Identifiers: ClinVar variation 1045909 (VCV001045909.4), dbSNP rs55811715, ClinGen allele CA4741589.